The following is an entry in ClinVar:

NM_000321.3(RB1):c.184C>A (p.Gln62Lys)

Gene: RB1 (RB transcriptional corepressor 1; plus strand). Cytogenetic location: 13q14.2.
Variant type: single nucleotide variant.
Coding change: c.184C>A on transcript NM_000321.3 (MANE Select); coding-DNA position 184, C replaced by A.
Protein change: p.Gln62Lys; replaces glutamine 62 with lysine.
Molecular consequence: missense variant.
Genome position (GRCh38, 1-based): chr13:48,307,326, C>A. VCF-style: chr13-48307326-C-A. GRCh37 (hg19) VCF-style: chr13-48881462-C-A.
Other names: c.184C>A, p.Gln62Lys (NM_001407165.1, NM_001407166.1, NM_001407167.1); short protein forms Q62K.
Identifiers: ClinVar variation 2153698 (VCV002153698.5), dbSNP rs2138034088, ClinGen allele CA388250523.
Genomic context (GRCh38, chr13:48,307,326, plus strand): 5'-TTTTCATTTGGTAGGCTTGAGTTTGAAGAAACAGAAGAACCTGATTTTACTGCATTATGT[C>A]AGAAATTAAAGATACCAGATCATGTCAGAGAGAGAGCTTGGTTAACTTGGGAGAAAGTTT-3'
Protein context (NP_000312.2, residues 52-72): TEEPDFTALC[Gln62Lys]KLKIPDHVRE

ClinVar aggregate classification (germline): Uncertain significance. Review status: criteria provided, multiple submitters, no conflicts (2 of 4 stars). 2 submissions from 2 submitters: Uncertain significance (2). Last evaluated 2025-05-30.

Conditions:
Hereditary cancer-predisposing syndrome. Also called: Neoplastic Syndromes, Hereditary; Hereditary Cancer Syndrome; Tumor predisposition; Hereditary neoplastic syndrome. Identifiers: Orphanet 140162, MedGen C0027672, MeSH D009386, MONDO:0015356.
Retinoblastoma (RB1). Also called: RETINOBLASTOMA, SOMATIC. Identifiers: Orphanet 790, MedGen C0035335, MeSH D012175, MONDO:0008380, OMIM 180200, HP:0009919. Disease mechanism: loss of function. Inheritance: Both sporadic and heritable forms are tested..

Submissions (2):

Ambry Genetics
Classification: Uncertain significance for Hereditary cancer-predisposing syndrome. Last evaluated: 2025-05-30. Review status: criteria provided, single submitter. Criteria: Ambry Variant Classification Scheme 2023. Collection method: clinical testing. Allele origin: germline.
Comment: The p.Q62K variant (also known as c.184C>A), located in coding exon 2 of the RB1 gene, results from a C to A substitution at nucleotide position 184. The glutamine at codon 62 is replaced by lysine, an amino acid with similar properties. This amino acid position is highly conserved in available vertebrate species. In addition, the in silico prediction for this alteration is inconclusive. Based on the available evidence, the clinical significance of this variant remains unclear.

Labcorp Genetics (formerly Invitae), Labcorp
Classification: Uncertain significance for Retinoblastoma. Last evaluated: 2024-08-30. Review status: criteria provided, single submitter. Criteria: Invitae Variant Classification Sherloc (09022015). Collection method: clinical testing. Allele origin: germline.
Comment: This sequence change replaces glutamine, which is neutral and polar, with lysine, which is basic and polar, at codon 62 of the RB1 protein (p.Gln62Lys). This variant is not present in population databases (gnomAD no frequency). This variant has not been reported in the literature in individuals affected with RB1-related conditions. ClinVar contains an entry for this variant (Variation ID: 2153698). Invitae Evidence Modeling of protein sequence and biophysical properties (such as structural, functional, and spatial information, amino acid conservation, physicochemical variation, residue mobility, and thermodynamic stability) indicates that this missense variant is not expected to disrupt RB1 protein function with a negative predictive value of 80%. In summary, the available evidence is currently insufficient to determine the role of this variant in disease. Therefore, it has been classified as a Variant of Uncertain Significance.